The following is an entry in ClinVar:

NM_016169.4(SUFU):c.427G>A (p.Gly143Ser)

Gene: SUFU (SUFU negative regulator of hedgehog signaling; plus strand). Cytogenetic location: 10q24.32.
Variant type: single nucleotide variant.
Coding change: c.427G>A on transcript NM_016169.4 (MANE Select); coding-DNA position 427, G replaced by A.
Protein change: p.Gly143Ser; replaces glycine 143 with serine.
Molecular consequence: missense variant.
Genome position (GRCh38, 1-based): chr10:102,550,079, G>A. VCF-style: chr10-102550079-G-A. GRCh37 (hg19) VCF-style: chr10-104309836-G-A.
Other names: c.427G>A, p.Gly143Ser (NM_001178133.2); short protein forms G143S.
Identifiers: ClinVar variation 642919 (VCV000642919.14), dbSNP rs1590019047, ClinGen allele CA16622055.

ClinVar aggregate classification (germline): Uncertain significance. Review status: criteria provided, multiple submitters, no conflicts (2 of 4 stars). 3 submissions from 3 submitters: Uncertain significance (3). Last evaluated 2025-12-20.

Conditions:
Gorlin syndrome. Also called: Basal cell nevus syndrome; Nevoid Basal Cell Carcinoma Syndrome. Identifiers: Orphanet 377, MedGen C0004779, MONDO:0007187.
Medulloblastoma (MDB). Also called: MEDULLOBLASTOMA PREDISPOSITION SYNDROME; Medulloblastoma, somatic. Identifiers: Orphanet 616, MedGen C0025149, MeSH D008527, MONDO:0007959, OMIM 155255, HP:0002885.
Hereditary cancer-predisposing syndrome. Also called: Neoplastic Syndromes, Hereditary; Hereditary Cancer Syndrome; Hereditary neoplastic syndrome; Tumor predisposition. Identifiers: Orphanet 140162, MedGen C0027672, MeSH D009386, MONDO:0015356.
Familial meningioma. Also called: Meningioma, familial, susceptibility to. Identifiers: Orphanet 263662, MedGen C3551915, MONDO:0011789, OMIM 607174.

Allele frequency attached by ClinVar (database versions not stated): gnomAD exomes below 0.00001; gnomAD 0.00001.
gnomAD v4.1: 3 of 1,614,068 alleles (0.00019%); highest among the groups gnomAD compares: Admixed American, 0.0017%; no homozygotes.

Submissions (3):

Labcorp Genetics (formerly Invitae), Labcorp
Classification: Uncertain significance for Gorlin syndrome; Medulloblastoma. Last evaluated: 2025-12-20. Review status: criteria provided, single submitter. Criteria: Invitae Variant Classification Sherloc (09022015). Collection method: clinical testing. Allele origin: germline.
Comment: This sequence change replaces glycine, which is neutral and non-polar, with serine, which is neutral and polar, at codon 143 of the SUFU protein (p.Gly143Ser). This variant is not present in population databases (gnomAD no frequency). This variant has not been reported in the literature in individuals affected with SUFU-related conditions. ClinVar contains an entry for this variant (Variation ID: 642919). Invitae Evidence Modeling of protein sequence and biophysical properties (such as structural, functional, and spatial information, amino acid conservation, physicochemical variation, residue mobility, and thermodynamic stability) indicates that this missense variant is not expected to disrupt SUFU protein function with a negative predictive value of 80%. In summary, the available evidence is currently insufficient to determine the role of this variant in disease. Therefore, it has been classified as a Variant of Uncertain Significance.

Ambry Genetics
Classification: Uncertain significance for Hereditary cancer-predisposing syndrome. Last evaluated: 2025-11-05. Review status: criteria provided, single submitter. Criteria: Ambry Variant Classification Scheme 2023. Collection method: clinical testing. Allele origin: germline.
Comment: The p.G143S variant (also known as c.427G>A), located in coding exon 3 of the SUFU gene, results from a G to A substitution at nucleotide position 427. The glycine at codon 143 is replaced by serine, an amino acid with similar properties. This amino acid position is highly conserved in available vertebrate species. In addition, this alteration is predicted to be deleterious by in silico analysis. Since supporting evidence is limited at this time, the clinical significance of this alteration remains unclear.

Baylor Genetics
Classification: Uncertain significance for Familial meningioma. Last evaluated: 2023-10-23. Review status: criteria provided, single submitter. Criteria: ACMG Guidelines, 2015. Collection method: clinical testing. Allele origin: unknown.